The following continues an entry in ClinVar:

NM_000441.2(SLC26A4):c.2T>C (p.Met1Thr)

ClinVar aggregate classification (germline): Pathogenic. Pathogenic (17).

Submissions 15 to 19 of 19:

Baylor Genetics
Classification: Pathogenic for Pendred syndrome. Last evaluated: 2019-10-11. Review status: criteria provided, single submitter. Criteria: ACMG Guidelines, 2015. Collection method: clinical testing. Allele origin: maternal. Affected: yes. Study: CSER-TexasKidsCanSeq.
Comment: This variant was determined to be pathogenic according to ACMG Guidelines, 2015 [PMID:25741868]. This variant has been previously reported as pathogenic [PMID 14679580, 19204907, 21961810, 24224479]

Laboratory for Molecular Medicine, Mass General Brigham Personalized Medicine
Classification: Pathogenic for Rare genetic deafness. Last evaluated: 2017-11-22. Review status: criteria provided, single submitter. Criteria: LMM Criteria. Collection method: clinical testing. Allele origin: germline. Observed: 3 variant alleles.
Comment: The c.2T>C (p.Met1?) variant in SLC26A4 has been reported in at least 6 individu als with hearing loss and EVA, all of whom were compound heterozygous (Shears 20 04, Gardner 2006, Dai 2009, Choi 2009, Huang 2011, Ladsous 2014, LMM data). It h as been identified in 0.01% (14/87438) of European chromosomes by the Genome Agg regation Database (gnomAD; dbSNP rs111033302). Although this variant has been seen in the general population, its frequency is low enough to be consistent with a carrier frequency for recessive hearing loss . This variant affects the translation initiation start codon (ATG) and is there fore predicted to disrupt translation. In vitro functional studies provide some evidence that the c.2T>C variant may impact protein function (Choi 2009). Additi onally, a different variant in the translation initiation start codon (c.3G>C) h as also been reported in an individual with hearing loss and EVA, supporting tha t changes to this codon are not tolerated. In summary, this variant meets crite ria to be classified as pathogenic for hearing loss in an autosomal recessive ma nner based on the predicted impact of the variant and multiple occurrences with pathogenic SLC26A4 variants in individuals with hearing loss. ACMG/AMP Criteria applied: PVS1; PM3_VeryStrong; PP4.

Juno Genomics, Hangzhou Juno Genomics, Inc
Classification: Pathogenic for Autosomal recessive nonsyndromic hearing loss 4; Pendred syndrome. Review status: criteria provided, single submitter. Criteria: ACMG Guidelines, 2015. Collection method: clinical testing. Allele origin: germline.
Comment: Null variant in a gene where loss of function (LOF) is a known mechanism of disease.;For recessive disorders, detected in trans with a pathogenic variant.;Patient's phenotype or family history is highly specific for a disease with a single genetic etiology.

Clinical Genetics DNA and cytogenetics Diagnostics Lab, Erasmus MC, Erasmus Medical Center
Classification: Pathogenic. Review status: no assertion criteria provided. Collection method: clinical testing. Allele origin: germline. Affected: yes. Study: VKGL Data-share Consensus. Not counted in ClinVar's aggregate classification.

Joint Genome Diagnostic Labs from Nijmegen and Maastricht, Radboudumc and MUMC+
Classification: Pathogenic. Review status: no assertion criteria provided. Collection method: clinical testing. Allele origin: germline. Affected: yes. Study: VKGL Data-share Consensus. Not counted in ClinVar's aggregate classification.

Literature cited by the submitters: PubMed 15099345 (cited by 3 submitters); PubMed 21961810 (cited by 4 submitters); PubMed 27997596 (cited by Labcorp Genetics (formerly Invitae), Labcorp); PubMed 19204907 (cited by 5 submitters); PubMed 16950989 (cited by 3 submitters); PubMed 19578036 (cited by Johns Hopkins Genomics, Johns Hopkins University); PubMed 34410491 (cited by Johns Hopkins Genomics, Johns Hopkins University and Women's Health and Genetics/Laboratory Corporation of America, LabCorp); PubMed 26969326 (cited by Women's Health and Genetics/Laboratory Corporation of America, LabCorp); PubMed 16570074 (cited by Women's Health and Genetics/Laboratory Corporation of America, LabCorp); PubMed 20553101 (cited by Women's Health and Genetics/Laboratory Corporation of America, LabCorp); PubMed 14679580 (cited by Baylor Genetics and Laboratory for Molecular Medicine, Mass General Brigham Personalized Medicine); PubMed 24224479 (cited by Baylor Genetics and Laboratory for Molecular Medicine, Mass General Brigham Personalized Medicine); PubMed 19509082 (cited by Laboratory for Molecular Medicine, Mass General Brigham Personalized Medicine); PubMed 17876604 (cited by Laboratory for Molecular Medicine, Mass General Brigham Personalized Medicine).